The following is an entry in ClinVar:

ClinVar aggregate classification (germline): Uncertain significance (1 of 4 stars; one submission).

gnomAD v4.1: 1 of 1,614,206 alleles (0.000062%); highest among the groups gnomAD compares: Non-Finnish European, 0.000085%; no homozygotes.

Submission:

GeneDx
Classification: Uncertain significance. Last evaluated: 2023-10-25. Review status: criteria provided, single submitter. Criteria: GeneDx Variant Classification Process June 2021. Collection method: clinical testing. Allele origin: germline. Affected: yes.
Comment: Not observed at significant frequency in large population cohorts (gnomAD); In silico analysis supports that this missense variant does not alter protein structure/function; Has not been previously published as pathogenic or benign to our knowledge

NM_006734.4(HIVEP2):c.733G>T (p.Ala245Ser)

Gene: HIVEP2 (HIVEP zinc finger 2; minus strand). Cytogenetic location: 6q24.2.
Variant type: single nucleotide variant.
Coding change: c.733G>T on transcript NM_006734.4 (MANE Select); coding-DNA position 733, G replaced by T.
Protein change: p.Ala245Ser; replaces alanine 245 with serine.
Molecular consequence: missense variant.
Genome position (GRCh38, 1-based): chr6:142,774,006, C>A on the plus strand (G>T on the coding strand, the complement: HIVEP2 is on the minus strand). VCF-style: chr6-142774006-C-A. GRCh37 (hg19) VCF-style: chr6-143095143-C-A.
Other names: short protein forms A245S.
Identifiers: ClinVar variation 3363326 (VCV003363326.1).
Genomic context (GRCh38, chr6:142,774,006, plus strand): 5'-TAAAACCAGCCTCTAGGTCCAATTTAGATACAGCTGACTCTGTGAAAGGTACTAATCCTG[C>A]CTTAATTGCATGGGCATGTGACTTCCTGTGCTTGTACAAATTGCTCTTTGTCTTGAAAGA-3'
Protein context (NP_006725.3, residues 235-255): HRKSHAHAIK[Ala245Ser]GLVPFTESAV